The following is an entry in ClinVar:

NM_001144967.3(NEDD4L):c.1919G>C (p.Arg640Thr)

Gene: NEDD4L (NEDD4 like E3 ubiquitin protein ligase; plus strand). Cytogenetic location: 18q21.31.
Variant type: single nucleotide variant.
Coding change: c.1919G>C on transcript NM_001144967.3 (MANE Select); coding-DNA position 1919, G replaced by C.
Protein change: p.Arg640Thr; replaces arginine 640 with threonine.
Molecular consequence: missense variant.
Genome position (GRCh38, 1-based): chr18:58,366,084, G>C. VCF-style: chr18-58366084-G-C. GRCh37 (hg19) VCF-style: chr18-56033316-G-C.
Other names: c.1556G>C, p.Arg519Thr (NM_001144964.1, NM_001144965.2, NM_001144966.3); c.1895G>C, p.Arg632Thr (NM_001144968.2); c.1835G>C, p.Arg612Thr (NM_001144969.2); c.1496G>C, p.Arg499Thr (NM_001144970.3, NM_001144971.2); c.1727G>C, p.Arg576Thr (NM_001243960.2); c.1859G>C, p.Arg620Thr (NM_015277.6); short protein forms R499T, R519T, R576T, R612T, R620T, R632T, R640T.
Identifiers: ClinVar variation 3368555 (VCV003368555.1).
Genomic context (GRCh38, chr18:58,366,084, plus strand): 5'-TGAAACTTCACAGAAATAACATATTTGAAGAGTCCTATCGGAGAATTATGTCCGTGAAAA[G>C]ACCAGATGTCCTAAAAGCTAGACTGTGGATTGAGTTTGAATCAGAGAAAGGTCTTGACTA-3'
Protein context (NP_001138439.1, residues 630-650): ESYRRIMSVK[Arg640Thr]PDVLKARLWI

ClinVar aggregate classification (germline): Uncertain significance (1 of 4 stars; one submission).

Submission:

GeneDx
Classification: Uncertain significance. Last evaluated: 2024-02-04. Review status: criteria provided, single submitter. Criteria: GeneDx Variant Classification Process June 2021. Collection method: clinical testing. Allele origin: germline. Affected: yes.
Comment: Not observed at significant frequency in large population cohorts (gnomAD); In silico analysis supports that this missense variant has a deleterious effect on protein structure/function; Has not been previously published as pathogenic or benign to our knowledge